The following is an entry in ClinVar:

NM_015122.3(FCHO1):c.2491C>T (p.Arg831Cys)

Gene: FCHO1 (FCH and mu domain containing endocytic adaptor 1; plus strand). Cytogenetic location: 19p13.11.
Variant type: single nucleotide variant.
Coding change: c.2491C>T on transcript NM_015122.3 (MANE Select); coding-DNA position 2491, C replaced by T.
Protein change: p.Arg831Cys; replaces arginine 831 with cysteine.
Molecular consequence: missense variant. On other transcripts: non-coding transcript variant (36).
Genome position (GRCh38, 1-based): chr19:17,787,690, C>T. VCF-style: chr19-17787690-C-T. GRCh37 (hg19) VCF-style: chr19-17898499-C-T.
Other names: c.2491C>T, p.Arg831Cys (NM_001161357.2, NM_001161358.2, NM_001384370.1 and 11 more transcripts); c.2341C>T, p.Arg781Cys (NM_001161359.2, NM_001384384.1, NM_001384385.1 and 1 more transcripts); c.2470C>T, p.Arg824Cys (NM_001384387.1); c.2452C>T, p.Arg818Cys (NM_001384388.1, NM_001384389.1); c.2416C>T, p.Arg806Cys (NM_001384390.1); c.2291C>T, p.Pro764Leu (NM_001384391.1); c.2374C>T, p.Arg792Cys (NM_001384392.1, NM_001384393.1, NM_001384394.1 and 1 more transcripts); c.2215C>T, p.Arg739Cys (NM_001384396.1, NM_001384397.1, NM_001384398.1 and 4 more transcripts); and 6 more; short protein forms P672L, P764L, R739C, R792C, R831C, R781C, R818C, R530C.
Identifiers: ClinVar variation 1427186 (VCV001427186.6), dbSNP rs148007824, ClinGen allele CA9300910.

ClinVar aggregate classification (germline): Uncertain significance. Review status: criteria provided, multiple submitters, no conflicts (2 of 4 stars). 2 submissions from 2 submitters: Uncertain significance (2). Last evaluated 2025-02-01.

Allele frequency attached by ClinVar (database versions not stated): gnomAD exomes 0.00001 and 0.00005; TOPMed 0.00006; 1000 Genomes Project 30x 0.00016; ESP Exome Variant Server 0.00016; 1000 Genomes Project 0.00020; ExAC 0.00021.
gnomAD v4.1: 29 of 1,557,610 alleles (0.0019%); highest among the groups gnomAD compares: South Asian, 0.019%; no homozygotes.

Submissions (2):

Labcorp Genetics (formerly Invitae), Labcorp
Classification: Uncertain significance. Last evaluated: 2025-02-01. Review status: criteria provided, single submitter. Criteria: Invitae Variant Classification Sherloc (09022015). Collection method: clinical testing. Allele origin: germline.
Comment: This sequence change replaces arginine, which is basic and polar, with cysteine, which is neutral and slightly polar, at codon 831 of the FCHO1 protein (p.Arg831Cys). This variant is present in population databases (rs148007824, gnomAD 0.02%). This variant has not been reported in the literature in individuals affected with FCHO1-related conditions. ClinVar contains an entry for this variant (Variation ID: 1427186). An algorithm developed to predict the effect of missense changes on protein structure and function (PolyPhen-2) suggests that this variant is likely to be disruptive. In summary, the available evidence is currently insufficient to determine the role of this variant in disease. Therefore, it has been classified as a Variant of Uncertain Significance.

Ambry Genetics
Classification: Uncertain significance. Last evaluated: 2024-07-07. Review status: criteria provided, single submitter. Criteria: Ambry Variant Classification Scheme 2023. Collection method: clinical testing. Allele origin: germline.